The following is an entry in ClinVar:

ClinVar aggregate classification (germline): Uncertain significance (1 of 4 stars; one submission).

gnomAD v4.1: 6 of 1,614,130 alleles (0.00037%); highest among the groups gnomAD compares: Non-Finnish European, 0.00051%; no homozygotes.

Submission:

Labcorp Genetics (formerly Invitae), Labcorp
Classification: Uncertain significance. Last evaluated: 2024-08-19. Review status: criteria provided, single submitter. Criteria: Invitae Variant Classification Sherloc (09022015). Collection method: clinical testing. Allele origin: germline.
Comment: This sequence change replaces proline, which is neutral and non-polar, with leucine, which is neutral and non-polar, at codon 721 of the KIF20A protein (p.Pro721Leu). This variant is not present in population databases (gnomAD no frequency). This variant has not been reported in the literature in individuals affected with KIF20A-related conditions. An algorithm developed to predict the effect of missense changes on protein structure and function (PolyPhen-2) suggests that this variant is likely to be tolerated. In summary, the available evidence is currently insufficient to determine the role of this variant in disease. Therefore, it has been classified as a Variant of Uncertain Significance.

NM_005733.3(KIF20A):c.2162C>T (p.Pro721Leu)

Gene: KIF20A (kinesin family member 20A; plus strand). Cytogenetic location: 5q31.2.
Variant type: single nucleotide variant.
Coding change: c.2162C>T on transcript NM_005733.3 (MANE Select); coding-DNA position 2162, C replaced by T.
Protein change: p.Pro721Leu; replaces proline 721 with leucine.
Molecular consequence: missense variant.
Genome position (GRCh38, 1-based): chr5:138,185,997, C>T. VCF-style: chr5-138185997-C-T. GRCh37 (hg19) VCF-style: chr5-137521686-C-T.
Other names: short protein forms P721L.
Identifiers: ClinVar variation 3725871 (VCV003725871.2).